The following is an entry in ClinVar:

NM_000092.5(COL4A4):c.4497dup (p.Glu1500fs)

Gene: COL4A4 (collagen type IV alpha 4 chain; minus strand). Cytogenetic location: 2q36.3.
Variant type: Duplication.
Coding change: c.4497dup on transcript NM_000092.5 (MANE Select); coding-DNA position 4497, one base duplicated (A; older notation c.4497dupA).
Protein change: p.Glu1500fs; shifts the reading frame from glutamic acid 1500.
Molecular consequence: frameshift variant.
Genome position (GRCh38, 1-based): chr2:227,010,338, T duplicated on the plus strand (A on the coding strand, the reverse complement: COL4A4 is on the minus strand); the first of 2 consecutive T bases (chr2:227,010,338-227,010,339); duplicating either gives the same sequence. VCF-style (leftmost placement, unchanged base first): chr2-227010337-C-CT. GRCh37 (hg19) VCF-style: chr2-227875053-C-CT.
Other names: c.4497dupA (NM_000092.4); short protein forms E1500fs.
Identifiers: ClinVar variation 4817344 (VCV004817344.1).

ClinVar aggregate classification (germline): Likely pathogenic (1 of 4 stars; one submission).

Conditions:
Alport syndrome. Also called: Hemorrhagic familial nephritis; Hemorrhagic hereditary nephritis; Congenital hereditary hematuria. Identifiers: Orphanet 63, MedGen C1567741, MONDO:0018965.

Submission:

Natera, Inc.
Classification: Likely pathogenic for Alport syndrome. Last evaluated: 2024-05-06. Review status: criteria provided, single submitter. Criteria: Natera Variant Classification Schema (03/2026). Collection method: clinical testing. Allele origin: germline.
Comment: The c.4497dupA variant in COL4A4 is a frameshift variant predicted to shift the reading frame beginning at codon 1500 and leads to a stop codon 19 codons downstream. This variant is expected to result in nonsense mediated decay, truncation, or a dysfunctional protein product. This variant is rare in the general population with a frequency below the threshold expected for the associated phenotype(s). Given the available evidence, this variant is classified as Likely Pathogenic.